The following is an entry in ClinVar:

ClinVar aggregate classification (germline): Pathogenic/Likely pathogenic. Review status: criteria provided, multiple submitters, no conflicts (2 of 4 stars). 17 submissions from 17 submitters: Pathogenic (15); Likely pathogenic (1). 1 of the submissions does not count toward it. Last evaluated 2026-08-19.

Conditions:
Tyrosinemia type I (TYRSN1). Also called: HEPATORENAL TYROSINEMIA; Tyrosinemia type 1; Fumarylacetoacetase deficiency; Deficiency of fumarylacetoacetase; FAH DEFICIENCY. Identifiers: Orphanet 882, MedGen C0268490, MONDO:0010161, OMIM 276700. Disease mechanism: loss of function.
FAH-related disorders.

Allele frequency attached by ClinVar (database versions not stated): TOPMed 0.00002; gnomAD 0.00002; gnomAD exomes 0.00001; ExAC 0.00001.

Submissions (17):

Molecular Genetics Laboratory, CHU Lille
Classification: Pathogenic for Tyrosinemia type I. Last evaluated: 2026-08-19. Review status: criteria provided, single submitter. Criteria: ACMG Guidelines, 2015. Collection method: clinical testing. Allele origin: germline. Affected: yes.
Comment: This nonsense variant is rare in the general population, showing a frequency below the threshold expected for the associated phenotype. It has been observed in one or more individuals affected by the associated recessive disease in the homozygous state or as compound heterozygous with a second variant. Given the available evidence, this variant is classified as Pathogenic.

Genetics Department, Catlab
Classification: Pathogenic for Tyrosinemia type I. Last evaluated: 2025-12-18. Review status: criteria provided, single submitter. Criteria: ACMG Guidelines, 2015. Collection method: clinical testing. Allele origin: germline. Affected: yes.
Comment: The c.709C>T variant in the FAH gene is a loss of function variant predicted to undergo nonsense mediated decay and loss of function variants have been described as a causing mechanism for the gene (PVS1_verystrong). The variant has been described in trans with another pathogenic variant or in homozygous state in several patients (PMID: 8557261, 22145516) (PM3_moderate). Moreover, the variant has a very low frequency in gnomAD v4.1 (AF= 0.00001797) (PM2_moderate). With all the available evidence, the variant is classified as pathogenic.

Labcorp Genetics (formerly Invitae), Labcorp
Classification: Pathogenic for Tyrosinemia type I. Last evaluated: 2025-11-14. Review status: criteria provided, single submitter. Criteria: Invitae Variant Classification Sherloc (09022015). Collection method: clinical testing. Allele origin: germline.
Comment: This sequence change creates a premature translational stop signal (p.Arg237*) in the FAH gene. It is expected to result in an absent or disrupted protein product. Loss-of-function variants in FAH are known to be pathogenic (PMID: 9101289, 9633815). This variant is present in population databases (rs769550316, gnomAD 0.008%). This premature translational stop signal has been observed in individuals with tyrosinemia (PMID: 8557261, 22145516). ClinVar contains an entry for this variant (Variation ID: 437463). For these reasons, this variant has been classified as Pathogenic.

Natera, Inc.
Classification: Pathogenic for Tyrosinemia type I. Last evaluated: 2025-05-25. Review status: criteria provided, single submitter. Criteria: Natera Variant Classification Schema (03/2026). Collection method: clinical testing. Allele origin: germline.
Comment: The c.709C>T variant in FAH is a nonsense variant predicted to introduce a stop codon at amino acid 237. This variant is expected to result in nonsense mediated decay, truncation, or a dysfunctional protein product. This variant is rare in the general population with a frequency below the threshold expected for the associated phenotype(s). This variant has been observed in one or more individuals affected with the associated recessive disease, as either homozygous or compound heterozygous with a second variant (PMID: 21764616). Given the available evidence, this variant is classified as Pathogenic.

3billion
Classification: Pathogenic for Tyrosinemia type I. Last evaluated: 2025-02-12. Review status: criteria provided, single submitter. Criteria: ACMG Guidelines, 2015. Collection method: clinical testing. Allele origin: germline. Affected: yes.
Comment: The variant is observed at an extremely low frequency in the gnomAD v4.1.0 dataset (total allele frequency: 0.002%). Predicted Consequence/Location: Stop-gained (nonsense): predicted to result in a loss or disruption of normal protein function through nonsense-mediated decay (NMD) or protein truncation. Multiple pathogenic variants are reported downstream of the variant. The variant has been reported at least twice as pathogenic with clinical assertions and evidence for the classification (ClinVar ID: VCV000437463 /PMID: 8557261 /3billion dataset). Therefore, this variant is classified as Pathogenic according to the recommendation of ACMG/AMP guideline.

Fulgent Genetics
Classification: Pathogenic for Tyrosinemia type I. Last evaluated: 2024-05-30. Review status: criteria provided, single submitter. Criteria: ACMG Guidelines, 2015. Collection method: clinical testing. Allele origin: germline.

Genomic Medicine Center of Excellence, King Faisal Specialist Hospital and Research Centre
Classification: Pathogenic for Tyrosinemia type I. Last evaluated: 2024-03-17. Review status: criteria provided, single submitter. Criteria: ACMG Guidelines, 2015. Collection method: research. Allele origin: germline.

Blueprint Genetics
Classification: Likely pathogenic for FAH-related disorders. Last evaluated: 2023-06-07. Review status: criteria provided, single submitter. Criteria: ACMG Guidelines, 2015. Collection method: clinical testing. Allele origin: germline. Affected: yes. Observed: 1 variant allele.

Neuberg Centre For Genomic Medicine, NCGM
Classification: Pathogenic for Tyrosinemia type I. Last evaluated: 2023-05-20. Review status: criteria provided, single submitter. Criteria: ACMG Guidelines, 2015. Collection method: clinical testing. Allele origin: germline. Inheritance: Autosomal recessive inheritance. Affected: yes.
Comment: The stop gained c.709C>T (p.Arg237Ter) variant in the FAH gene has been reported previously in multiple individuals affected with Tyrosinemia Type 1 (Jitraruch, Suttiruk et al., 2011). This variant is reported with the allele frequency (0.001%) in the gnomAD Exomes. It is submitted to ClinVar as Pathogenic (multiple submissions). This variant is predicted to cause loss of normal protein function through protein truncation. Computational evidence (MutationTaster - Disease causing) predicts damaging effect on protein structure and function for this variant. Loss of function variants have been previously reported to be disease causing. The nucleotide change c.709C>T in FAH is predicted as conserved by GERP++ and PhyloP across 100 vertebrates. For these reasons, this variant has been classified as Pathogenic.

Department of Pathology and Laboratory Medicine, Sinai Health System
Classification: Pathogenic for Tyrosinemia type I. Last evaluated: 2021-12-17. Review status: criteria provided, single submitter. Criteria: ACMG Guidelines, 2015. Collection method: research. Allele origin: germline.

Greenwood Genetic Center Diagnostic Laboratories, Greenwood Genetic Center
Classification: Pathogenic. Last evaluated: 2021-03-03. Review status: criteria provided, single submitter. Criteria: ACMG Guidelines, 2015. Collection method: clinical testing. Allele origin: germline. Affected: yes.
Comment: PVS1, PM2, PS3_Supporting

Women's Health and Genetics/Laboratory Corporation of America, LabCorp
Classification: Pathogenic for Tyrosinemia type I. Last evaluated: 2020-05-07. Review status: criteria provided, single submitter. Criteria: LabCorp Variant Classification Summary - May 2015. Collection method: clinical testing. Allele origin: germline.
Comment: Variant summary: FAH c.709C>T (p.Arg237X) results in a premature termination codon, predicted to cause a truncation of the encoded protein or absence of the protein due to nonsense mediated decay, which are commonly known mechanisms for disease. Truncations downstream of this position have been classified as pathogenic by our laboratory. The variant allele was found at a frequency of 1.2e-05 in 251496 control chromosomes. c.709C>T has been reported in the literature in multiple individuals affected with Tyrosinemia Type 1 (example, Suttiruk_2011, vanAmstel_1996, Rafati_2016). These data indicate that the variant is very likely to be associated with disease. To our knowledge, no experimental evidence demonstrating an impact on protein function has been reported. Two clinical diagnostic laboratories have submitted clinical-significance assessments for this variant to ClinVar after 2014 without evidence for independent evaluation. All laboratories classified the variant as pathogenic. Based on the evidence outlined above, the variant was classified as pathogenic.

Genomic Research Center, Shahid Beheshti University of Medical Sciences
Classification: Pathogenic for Tyrosinemia type I. Last evaluated: 2019-01-01. Review status: criteria provided, single submitter. Criteria: ACMG Guidelines, 2015. Collection method: clinical testing. Allele origin: inherited. Affected: yes. Observed: 2 variant alleles.

Clinical Genetics Service, Universitary Hospital 12 de Octubre
Classification: Pathogenic for Tyrosinemia type I. Review status: criteria provided, single submitter. Criteria: ACMG Guidelines, 2015. Collection method: clinical testing. Allele origin: germline. Affected: yes.

Kariminejad - Najmabadi Pathology & Genetics Center
Classification: Pathogenic for Tyrosinemia type I. Review status: criteria provided, single submitter. Criteria: ACMG Guidelines, 2015. Collection method: clinical testing. Allele origin: germline. Affected: no.

Lifecell International Pvt. Ltd
Classification: Pathogenic for Tyrosinemia type I. Review status: criteria provided, single submitter. Criteria: ACMG Guidelines, 2015. Collection method: clinical testing. Allele origin: germline. Inheritance: Autosomal recessive inheritance. Affected: yes. Observed: 1 compound heterozygote.
Comment: A Heterozygous Splice site region, Nonsense variant c.709C>T in Exon 9 of the FAH gene that results in the amino acid substitution p.Arg237* was identified. The observed variant has a minor allele frequency of 0.00001/0.00006% in gnomAD exomes and genomes, respectively. The severity of the impact of this variant on the protein is high, based on the effect of the protein and REVEL score. Rare Exome Variant Ensemble Learner (REVEL) is an ensembl method for predicting the pathogenicity of missense variants based on a combination of scores from 13 individual tools: MutPred, FATHMM v2.3, VEST 3.0, PolyPhen-2, SIFT, PROVEAN, MutationAssessor, MutationTaster, LRT, GERP++, SiPhy, phyloP, and phastCons. The REVEL score for an individual missense variant can range from 0 to 1, with higher scores reflecting greater likelihood that the variant is disease-causing. ClinVar has also classified this variant as Pathogenic (variant ID: 437463). Based on the above evidence this variant has been classified as Pathogenic according to the ACMG guidelines.

Department of Genetics, Sultan Qaboos University Hospital
Classification: Pathogenic for Tyrosinemia type I. Last evaluated: 2017-12-30. Review status: no assertion criteria provided. Collection method: curation. Allele origin: unknown. Affected: yes. Not counted in ClinVar's aggregate classification.

Literature cited by the submitters: PubMed 8557261 (cited by 5 submitters); PubMed 22145516 (cited by 3 submitters); PubMed 9101289 (cited by Labcorp Genetics (formerly Invitae), Labcorp); PubMed 9633815 (cited by Labcorp Genetics (formerly Invitae), Labcorp); PubMed 21764616 (cited by Natera, Inc.); PubMed 27093575 (cited by Women's Health and Genetics/Laboratory Corporation of America, LabCorp).

NM_000137.4(FAH):c.709C>T (p.Arg237Ter)

Gene: FAH (fumarylacetoacetate hydrolase; plus strand). Cytogenetic location: 15q25.1.
Variant type: single nucleotide variant.
Coding change: c.709C>T on transcript NM_000137.4 (MANE Select); coding-DNA position 709, C replaced by T.
Protein change: p.Arg237Ter; replaces arginine 237 with a stop codon.
Molecular consequence: nonsense.
Genome position (GRCh38, 1-based): chr15:80,173,016, C>T. VCF-style: chr15-80173016-C-T. GRCh37 (hg19) VCF-style: chr15-80465358-C-T.
Other names: c.709C>T, p.Arg237Ter (NM_001374377.1, NM_001374380.1); short protein forms R237*.
Identifiers: ClinVar variation 437463 (VCV000437463.38), dbSNP rs769550316, ClinGen allele CA7691323.